The following is an entry in ClinVar:

NM_203446.3(SYNJ1):c.*442A>G

Gene: SYNJ1 (synaptojanin 1; minus strand). Cytogenetic location: 21q22.11.
Variant type: single nucleotide variant.
Coding change: c.*442A>G on transcript NM_203446.3 (MANE Select); 442 bases downstream of the stop codon, A replaced by G.
Molecular consequence: 3 prime UTR variant. On other transcripts: missense variant (2).
Genome position (GRCh38, 1-based): chr21:32,631,363, T>C on the plus strand (A>G on the coding strand, the complement: SYNJ1 is on the minus strand). VCF-style: chr21-32631363-T-C. GRCh37 (hg19) VCF-style: chr21-34003673-T-C.
Other names: c.*442A>G (NM_001160302.2); c.4213A>G, p.Ser1405Gly (NM_001160306.2); c.4471A>G, p.Ser1491Gly (NM_003895.4); short protein forms S1491G, S1405G.
Identifiers: ClinVar variation 863007 (VCV000863007.10), dbSNP rs1443131725, ClinGen allele CA410081593.
Genomic context (GRCh38, chr21:32,631,363, plus strand): 5'-TAGACTGGCCCTGTAGATCAAAACTGTCCTTAAAGCCATCAAGTGAAGATGAAGCCCTGC[T>C]TTTGTTATGACCAAGAGGCTGCAGAGAAGGGAAAGGACTGATAGTAACGGGCTCTTCTTT-3'

ClinVar aggregate classification (germline): Uncertain significance (1 of 4 stars; one submission).

Conditions:
Developmental and epileptic encephalopathy, 53. Also called: Epileptic encephalopathy, early infantile, 53. Identifiers: MedGen C4479313, MONDO:0033362, OMIM 617389.
Early-onset Parkinson disease 20. Also called: PARKINSON DISEASE 20, AUTOSOMAL RECESSIVE EARLY-ONSET. Identifiers: Orphanet 391411, MedGen C3809824, MONDO:0014233, OMIM 615530.

Allele frequency attached by ClinVar (database versions not stated): gnomAD exomes below 0.00001; TOPMed 0.00001.

Submission:

Labcorp Genetics (formerly Invitae), Labcorp
Classification: Uncertain significance for Developmental and epileptic encephalopathy, 53; Early-onset Parkinson disease 20. Last evaluated: 2022-08-15. Review status: criteria provided, single submitter. Criteria: Invitae Variant Classification Sherloc (09022015). Collection method: clinical testing. Allele origin: germline.
Comment: This sequence change replaces serine, which is neutral and polar, with glycine, which is neutral and non-polar, at codon 1491 of the SYNJ1 protein (p.Ser1491Gly). In summary, the available evidence is currently insufficient to determine the role of this variant in disease. Therefore, it has been classified as a Variant of Uncertain Significance. Algorithms developed to predict the effect of sequence changes on RNA splicing suggest that this variant may create or strengthen a splice site. Algorithms developed to predict the effect of missense changes on protein structure and function output the following: SIFT: "Deleterious"; PolyPhen-2: "Benign"; Align-GVGD: "Class C0". The glycine amino acid residue is found in multiple mammalian species, which suggests that this missense change does not adversely affect protein function. ClinVar contains an entry for this variant (Variation ID: 863007). This variant has not been reported in the literature in individuals affected with SYNJ1-related conditions. This variant is not present in population databases (gnomAD no frequency).